The following is an entry in ClinVar:

NM_001130438.3(SPTAN1):c.391T>C (p.Trp131Arg)

Gene: SPTAN1 (spectrin alpha, non-erythrocytic 1; plus strand). Cytogenetic location: 9q34.11.
Variant type: single nucleotide variant.
Coding change: c.391T>C on transcript NM_001130438.3 (MANE Select); coding-DNA position 391, T replaced by C.
Protein change: p.Trp131Arg; replaces tryptophan 131 with arginine.
Molecular consequence: missense variant.
Genome position (GRCh38, 1-based): chr9:128,574,702, T>C. VCF-style: chr9-128574702-T-C. GRCh37 (hg19) VCF-style: chr9-131336981-T-C.
Other names: c.391T>C, p.Trp131Arg (NM_001195532.2, NM_001363759.2, NM_001363765.2 and 5 more transcripts); c.427T>C, p.Trp143Arg (NM_001375312.2, NM_001375318.1); c.391T>C (NM_001130438.2); short protein forms W131R, W143R.
Identifiers: ClinVar variation 1161432 (VCV001161432.12), dbSNP rs142120579, ClinGen allele CA5264167.

ClinVar aggregate classification (germline): Conflicting classifications of pathogenicity. Review status: criteria provided, conflicting classifications (1 of 4 stars). 3 submissions from 3 submitters: Uncertain significance (1); Likely benign (2). Last evaluated 2025-10-08.

Conditions:
Inborn genetic diseases. Identifiers: MedGen C0950123, MeSH D030342.
Early-infantile DEE. Also called: Ohtahara syndrome; Early infantile epileptic encephalopathy with suppression bursts; Early infantile epileptic encephalopathy. Identifiers: Orphanet 1934, MedGen C0393706, MONDO:0800491.

Allele frequency attached by ClinVar (database versions not stated): ExAC 0.00002; gnomAD exomes 0.00002 and 0.00005; TOPMed 0.00004; gnomAD 0.00005; 1000 Genomes Project 30x 0.00016; 1000 Genomes Project 0.00020.
gnomAD v4.1: 76 of 1,614,132 alleles (0.0047%); highest among the groups gnomAD compares: Non-Finnish European, 0.0058%; no homozygotes.

Submissions (3):

Women's Health and Genetics/Laboratory Corporation of America, LabCorp
Classification: Uncertain significance. Last evaluated: 2025-10-08. Review status: criteria provided, single submitter. Criteria: LabCorp Variant Classification Summary - May 2015. Collection method: clinical testing. Allele origin: germline.
Comment: Variant summary: SPTAN1 c.391T>C (p.Trp131Arg) results in a non-conservative amino acid change in the encoded protein sequence. Algorithms developed to predict the effect of missense changes on protein structure and function all suggest that this variant is likely to be disruptive. The variant allele was found at a frequency of 2e-05 in 251396 control chromosomes. The available data on variant occurrences in the general population are insufficient to allow any conclusion about variant significance. To our knowledge, no occurrence of c.391T>C in individuals affected with SPTAN1-related conditions and no experimental evidence demonstrating its impact on protein function have been reported. ClinVar contains an entry for this variant (Variation ID: 1161432). Based on the evidence outlined above, the variant was classified as uncertain significance.

Labcorp Genetics (formerly Invitae), Labcorp
Classification: Likely benign for Early-infantile DEE. Last evaluated: 2025-08-10. Review status: criteria provided, single submitter. Criteria: Invitae Variant Classification Sherloc (09022015). Collection method: clinical testing. Allele origin: germline.

Ambry Genetics
Classification: Likely benign for Inborn genetic diseases. Last evaluated: 2022-12-01. Review status: criteria provided, single submitter. Criteria: Ambry Variant Classification Scheme 2023. Collection method: clinical testing. Allele origin: germline.